The following is an entry in ClinVar:

ClinVar aggregate classification (germline): Uncertain significance (1 of 4 stars; one submission).

Conditions:
Dyskeratosis congenita, autosomal dominant 2. Identifiers: MedGen C3151443, MONDO:0013521, OMIM 613989.
Idiopathic Pulmonary Fibrosis. Also called: Idiopathic fibrosing alveolitis, chronic form; idiopathic fibrosing alveolitis. Identifiers: Orphanet 2032, MedGen C1800706, MeSH D054990, MONDO:0800504.

gnomAD v4.1: 1 of 1,613,700 alleles (0.000062%); highest among the groups gnomAD compares: Non-Finnish European, 0.000085%; no homozygotes.

Submission:

Labcorp Genetics (formerly Invitae), Labcorp
Classification: Uncertain significance for Dyskeratosis congenita, autosomal dominant 2; Idiopathic Pulmonary Fibrosis. Last evaluated: 2020-07-26. Review status: criteria provided, single submitter. Criteria: Invitae Variant Classification Sherloc (09022015). Collection method: clinical testing. Allele origin: germline.
Comment: This variant is not present in population databases (ExAC no frequency). This variant has not been reported in the literature in individuals with TERT-related conditions. Algorithms developed to predict the effect of missense changes on protein structure and function (SIFT, PolyPhen-2, Align-GVGD) all suggest that this variant is likely to be tolerated, but these predictions have not been confirmed by published functional studies and their clinical significance is uncertain. In summary, the available evidence is currently insufficient to determine the role of this variant in disease. Therefore, it has been classified as a Variant of Uncertain Significance. This sequence change replaces arginine with glycine at codon 610 of the TERT protein (p.Arg610Gly). The arginine residue is weakly conserved and there is a moderate physicochemical difference between arginine and glycine.

NM_198253.3(TERT):c.1828C>G (p.Arg610Gly)

Gene: TERT (telomerase reverse transcriptase; minus strand). Cytogenetic location: 5p15.33.
Variant type: single nucleotide variant.
Coding change: c.1828C>G on transcript NM_198253.3 (MANE Select); coding-DNA position 1828, C replaced by G.
Protein change: p.Arg610Gly; replaces arginine 610 with glycine.
Molecular consequence: missense variant. On other transcripts: non-coding transcript variant (2).
Genome position (GRCh38, 1-based): chr5:1,280,280, G>C on the plus strand (C>G on the coding strand, the complement: TERT is on the minus strand). VCF-style: chr5-1280280-G-C. GRCh37 (hg19) VCF-style: chr5-1280395-G-C.
Other names: c.1828C>G, p.Arg610Gly (NM_001193376.3); short protein forms R610G.
Identifiers: ClinVar variation 1051605 (VCV001051605.9), dbSNP rs747940807, ClinGen allele CA359081887.